The following is an entry in ClinVar:

ClinVar aggregate classification (germline): Uncertain significance (1 of 4 stars; one submission).

Submission:

GeneDx
Classification: Uncertain significance. Last evaluated: 2022-08-12. Review status: criteria provided, single submitter. Criteria: GeneDx Variant Classification Process June 2021. Collection method: clinical testing. Allele origin: germline. Affected: yes.
Comment: Not observed at significant frequency in large population cohorts (gnomAD); In silico analysis supports that this missense variant has a deleterious effect on protein structure/function; Has not been previously published as pathogenic or benign to our knowledge

NM_001256789.3(CACNA1F):c.3074C>T (p.Thr1025Ile)

Gene: CACNA1F (calcium voltage-gated channel subunit alpha1 F; minus strand). Cytogenetic location: Xp11.23.
Variant type: single nucleotide variant.
Coding change: c.3074C>T on transcript NM_001256789.3 (MANE Select); coding-DNA position 3074, C replaced by T.
Protein change: p.Thr1025Ile; replaces threonine 1025 with isoleucine.
Molecular consequence: missense variant.
Genome position (GRCh38, 1-based): chrX:49,217,770, G>A on the plus strand (C>T on the coding strand, the complement: CACNA1F is on the minus strand). VCF-style: chrX-49217770-G-A. GRCh37 (hg19) VCF-style: chrX-49074229-G-A.
Other names: c.2912C>T, p.Thr971Ile (NM_001256790.3); c.3107C>T, p.Thr1036Ile (NM_005183.4); short protein forms T1025I, T1036I, T971I.
Identifiers: ClinVar variation 2429726 (VCV002429726.1), dbSNP rs2520902833, ClinGen allele CA412964217.